The following is an entry in ClinVar:

ClinVar aggregate classification (germline): Uncertain significance. Review status: criteria provided, multiple submitters, no conflicts (2 of 4 stars). 5 submissions from 5 submitters: Uncertain significance (4). 1 of the submissions does not count toward it. Last evaluated 2026-05-12.

Conditions:
Inborn genetic diseases. Identifiers: MedGen C0950123, MeSH D030342.
Combined pituitary hormone deficiencies, genetic form. Also called: Pituitary hormone deficiency, combined. Identifiers: Orphanet 95494, MedGen C4273747, MONDO:0013099.
Non-acquired combined pituitary hormone deficiency with spine abnormalities (CPHD3). Also called: Winkelman Bethge Pfeiffer syndrome; WBP syndrome; Combined pituitary hormone deficiency type 3. Identifiers: Orphanet 231720, MedGen C3489787, MONDO:0009091, OMIM 221750.
LHX3-related disorder. Also called: LHX3-related condition.

Allele frequency attached by ClinVar (database versions not stated): gnomAD 0.00006; gnomAD exomes 0.00007; TOPMed 0.00013.

Submissions (5):

Women's Health and Genetics/Laboratory Corporation of America, LabCorp
Classification: Uncertain significance. Last evaluated: 2026-05-12. Review status: criteria provided, single submitter. Criteria: LabCorp Variant Classification Summary - May 2015. Collection method: clinical testing. Allele origin: germline.

PreventionGenetics, part of Exact Sciences
Classification: Uncertain significance for LHX3-related condition. Last evaluated: 2026-03-25. Review status: criteria provided, single submitter. Criteria: ACMG Guidelines, 2015. Collection method: clinical testing. Allele origin: germline.
Comment: The LHX3 c.10C>T variant is predicted to result in the amino acid substitution p.Arg4Cys. To our knowledge, this variant has not been reported in the literature. This variant is reported in 0.019% of alleles in individuals of European (Non-Finnish) descent in gnomAD. At this time, the clinical significance of this variant is uncertain due to the absence of conclusive functional and genetic evidence.

Ambry Genetics
Classification: Uncertain significance for Inborn genetic diseases. Last evaluated: 2025-02-11. Review status: criteria provided, single submitter. Criteria: Ambry Variant Classification Scheme 2023. Collection method: clinical testing. Allele origin: germline.

Illumina Laboratory Services, Illumina
Classification: Uncertain significance for Non-acquired combined pituitary hormone deficiency with spine abnormalities. Last evaluated: 2018-01-12. Review status: criteria provided, single submitter. Criteria: ICSL Variant Classification Criteria 13 December 2019. Collection method: clinical testing. Allele origin: germline.

Natera, Inc.
Classification: Uncertain significance for Combined pituitary hormone deficiency. Last evaluated: 2020-07-24. Review status: no assertion criteria provided. Collection method: clinical testing. Allele origin: germline. Not counted in ClinVar's aggregate classification.

NM_178138.6(LHX3):c.79+1904C>T

Gene: LHX3 (LIM homeobox 3; minus strand). Cytogenetic location: 9q34.3.
Variant type: single nucleotide variant.
Coding change: c.79+1904C>T on transcript NM_178138.6 (MANE Select); 1904 bases into the intron after coding-DNA position 79, C replaced by T.
Molecular consequence: intron variant. On other transcripts: missense variant (1).
Genome position (GRCh38, 1-based): chr9:136,203,030, G>A on the plus strand (C>T on the coding strand, the complement: LHX3 is on the minus strand). VCF-style: chr9-136203030-G-A. GRCh37 (hg19) VCF-style: chr9-139094876-G-A.
Other names: c.10C>T, p.Arg4Cys (NM_014564.5); c.10C>T (NM_014564.4); short protein forms R4C.
Identifiers: ClinVar variation 913183 (VCV000913183.10), dbSNP rs1021046718, ClinGen allele CA201536717.
Genomic context (GRCh38, chr9:136,203,030, plus strand): 5'-CCAGCAGTGCTAGCAGCAGGTCGCCTCCCGCCGACTCCCGGGCCGGGCCCAGCTCCCCGC[G>A]CGCCTCCATGGGTCCCGCCGCCCGGCGTCGCCACTCTCCAGTCCCGAACTTTCCCGGGCC-3'